The following is an entry in ClinVar:

NM_005585.5(SMAD6):c.1027G>T (p.Val343Leu)

Gene: SMAD6 (SMAD family member 6; plus strand). Cytogenetic location: 15q22.31.
Variant type: single nucleotide variant.
Coding change: c.1027G>T on transcript NM_005585.5 (MANE Select); coding-DNA position 1027, G replaced by T.
Protein change: p.Val343Leu; replaces valine 343 with leucine.
Molecular consequence: missense variant. On other transcripts: non-coding transcript variant (1).
Genome position (GRCh38, 1-based): chr15:66,781,071, G>T. VCF-style: chr15-66781071-G-T. GRCh37 (hg19) VCF-style: chr15-67073409-G-T.
Other names: short protein forms V343L.
Identifiers: ClinVar variation 3224781 (VCV003224781.1), dbSNP rs2541896488, ClinGen allele CA393201706.

ClinVar aggregate classification (germline): Uncertain significance (1 of 4 stars; one submission).

Conditions:
Inborn genetic diseases. Identifiers: MedGen C0950123, MeSH D030342.

Submission:

Ambry Genetics
Classification: Uncertain significance for Inborn genetic diseases. Last evaluated: 2023-12-29. Review status: criteria provided, single submitter. Criteria: Ambry Variant Classification Scheme 2023. Collection method: clinical testing. Allele origin: germline.
Comment: The p.V343L variant (also known as c.1027G>T), located in coding exon 4 of the SMAD6 gene, results from a G to T substitution at nucleotide position 1027. The valine at codon 343 is replaced by leucine, an amino acid with highly similar properties. This amino acid position is conserved. In addition, this alteration is predicted to be deleterious by in silico analysis. Since supporting evidence is limited at this time, the clinical significance of this alteration remains unclear.